The following is an entry in ClinVar:

NM_015100.4(POGZ):c.2792C>T (p.Pro931Leu)

Gene: POGZ (pogo transposable element derived with ZNF domain; minus strand). Cytogenetic location: 1q21.3.
Variant type: single nucleotide variant.
Coding change: c.2792C>T on transcript NM_015100.4 (MANE Select); coding-DNA position 2792, C replaced by T.
Protein change: p.Pro931Leu; replaces proline 931 with leucine.
Molecular consequence: missense variant.
Genome position (GRCh38, 1-based): chr1:151,406,243, G>A on the plus strand (C>T on the coding strand, the complement: POGZ is on the minus strand). VCF-style: chr1-151406243-G-A. GRCh37 (hg19) VCF-style: chr1-151378719-G-A.
Other names: c.2765C>T, p.Pro922Leu (NM_001194937.2); c.2606C>T, p.Pro869Leu (NM_001194938.2); c.2507C>T, p.Pro836Leu (NM_145796.4); c.2633C>T, p.Pro878Leu (NM_207171.2); short protein forms P931L, P869L, P878L, P922L, P836L.
Identifiers: ClinVar variation 560565 (VCV000560565.3), dbSNP rs373783340, ClinGen allele CA1091060.

ClinVar aggregate classification (germline): Conflicting classifications of pathogenicity. Review status: criteria provided, conflicting classifications (1 of 4 stars). 3 submissions from 3 submitters: Uncertain significance (1); Likely benign (1). 1 of the submissions does not count toward it. Last evaluated 2026-01-16.

Conditions:
Autism spectrum disorder. Also called: Autism spectrum disorders. Identifiers: MedGen C1510586, MeSH D000067877, MONDO:0005258.
Inborn genetic diseases. Identifiers: MedGen C0950123, MeSH D030342.

Allele frequency attached by ClinVar (database versions not stated): gnomAD exomes 0.00002 and 0.00004; ExAC 0.00006; ESP Exome Variant Server 0.00008; gnomAD 0.00011; TOPMed 0.00011; 1000 Genomes Project 30x 0.00016; 1000 Genomes Project 0.00020.
gnomAD v4.1: 49 of 1,614,072 alleles (0.003%); highest among the groups gnomAD compares: African/African-American, 0.027%; no homozygotes.

Submissions (3):

Women's Health and Genetics/Laboratory Corporation of America, LabCorp
Classification: Uncertain significance. Last evaluated: 2026-01-16. Review status: criteria provided, single submitter. Criteria: LabCorp Variant Classification Summary - May 2015. Collection method: clinical testing. Allele origin: germline.
Comment: Variant summary: POGZ c.2792C>T (p.Pro931Leu) results in a non-conservative amino acid change in the encoded protein sequence. Algorithms developed to predict the effect of missense changes on protein structure and function are either unavailable or do not agree on the potential impact of this missense change. The variant allele was found at a frequency of 4e-05 in 251202 control chromosomes. This frequency is not significantly higher than estimated for disease-causing variants in POGZ, allowing no conclusion about variant significance. To our knowledge, no occurrence of c.2792C>T in individuals affected with POGZ-related conditions and no experimental evidence demonstrating its impact on protein function have been reported. ClinVar contains an entry for this variant (Variation ID: 560565). Based on the evidence outlined above, the variant was classified as uncertain significance.

Ambry Genetics
Classification: Likely benign for Inborn genetic diseases. Last evaluated: 2025-08-24. Review status: criteria provided, single submitter. Criteria: Ambry Variant Classification Scheme 2023. Collection method: clinical testing. Allele origin: germline.

Center of Medical Genetics, Central South University
Classification: association for Autism spectrum disorder. Review status: no assertion criteria provided. Collection method: clinical testing. Allele origin: unknown. Affected: yes. Observed: 1 variant allele. Not counted in ClinVar's aggregate classification.